The following is an entry in ClinVar:

ClinVar aggregate classification (germline): Likely benign (1 of 4 stars; one submission).

Allele frequency attached by ClinVar (database versions not stated): gnomAD exomes below 0.00001.
gnomAD v4.1: 1 of 398,774 alleles (0.00025%); highest among the groups gnomAD compares: Non-Finnish European, 0.00044%; no homozygotes.

Submission:

CeGaT Center for Human Genetics Tuebingen
Classification: Likely benign. Last evaluated: 2022-07-01. Review status: criteria provided, single submitter. Criteria: CeGaT Center For Human Genetics Tuebingen Variant Classification Criteria Version 2. Collection method: clinical testing. Allele origin: germline. Affected: yes. Observed: 1 variant allele.
Comment: CIC: PM2:Supporting, BP4, BP7

NM_001386298.1(CIC):c.1998C>T (p.Ser666=)

Gene: CIC (capicua transcriptional repressor; plus strand). Cytogenetic location: 19q13.2.
Variant type: single nucleotide variant.
Coding change: c.1998C>T on transcript NM_001386298.1 (MANE Select); coding-DNA position 1998, C replaced by T.
Protein change: p.Ser666=; no amino-acid change (serine 666 retained).
Molecular consequence: synonymous variant.
Genome position (GRCh38, 1-based): chr19:42,273,781, C>T. VCF-style: chr19-42273781-C-T. GRCh37 (hg19) VCF-style: chr19-42777933-C-T.
Other names: c.1998C>T, p.Ser666= (NM_001304815.2, NM_001379480.1, NM_001379482.1 and 1 more transcripts).
Identifiers: ClinVar variation 2649960 (VCV002649960.24), dbSNP rs2513608727, ClinGen allele CA507702430.